The following is an entry in ClinVar:

NM_001330360.2(POLA1):c.2320A>T (p.Ile774Phe)

Gene: POLA1 (DNA polymerase alpha 1, catalytic subunit; plus strand). Cytogenetic location: Xp22.11.
Variant type: single nucleotide variant.
Coding change: c.2320A>T on transcript NM_001330360.2 (MANE Select); coding-DNA position 2320, A replaced by T.
Protein change: p.Ile774Phe; replaces isoleucine 774 with phenylalanine.
Molecular consequence: missense variant. On other transcripts: non-coding transcript variant (2).
Genome position (GRCh38, 1-based): chrX:24,741,478, A>T. VCF-style: chrX-24741478-A-T. GRCh37 (hg19) VCF-style: chrX-24759595-A-T.
Other names: c.2245A>T, p.Ile749Phe (NM_001378303.1); c.2320A>T, p.Ile774Phe (NM_001440806.1); c.2302A>T, p.Ile768Phe (NM_016937.4); short protein forms I768F, I749F, I774F.
Identifiers: ClinVar variation 4741817 (VCV004741817.1).

ClinVar aggregate classification (germline): Uncertain significance (1 of 4 stars; one submission).

Submission:

Labcorp Genetics (formerly Invitae), Labcorp
Classification: Uncertain significance. Last evaluated: 2025-04-17. Review status: criteria provided, single submitter. Criteria: Invitae Variant Classification Sherloc (09022015). Collection method: clinical testing. Allele origin: germline.
Comment: This sequence change replaces isoleucine, which is neutral and non-polar, with phenylalanine, which is neutral and non-polar, at codon 768 of the POLA1 protein (p.Ile768Phe). This variant is not present in population databases (gnomAD no frequency). This variant has not been reported in the literature in individuals affected with POLA1-related conditions. Invitae Evidence Modeling of protein sequence and biophysical properties (such as structural, functional, and spatial information, amino acid conservation, physicochemical variation, residue mobility, and thermodynamic stability) indicates that this missense variant is expected to disrupt POLA1 protein function with a positive predictive value of 80%. In summary, the available evidence is currently insufficient to determine the role of this variant in disease. Therefore, it has been classified as a Variant of Uncertain Significance.